The following is an entry in ClinVar:

ClinVar aggregate classification (germline): Pathogenic (1 of 4 stars; one submission).

Submission:

Labcorp Genetics (formerly Invitae), Labcorp
Classification: Pathogenic. Last evaluated: 2024-01-16. Review status: criteria provided, single submitter. Criteria: Invitae Variant Classification Sherloc (09022015). Collection method: clinical testing. Allele origin: germline.
Comment: This sequence change creates a premature translational stop signal (p.Phe549Serfs*220) in the ITGB4 gene. It is expected to result in an absent or disrupted protein product. Loss-of-function variants in ITGB4 are known to be pathogenic (PMID: 11328943, 16473856). This variant is not present in population databases (gnomAD no frequency). This variant has not been reported in the literature in individuals affected with ITGB4-related conditions. For these reasons, this variant has been classified as Pathogenic.

Literature cited by the submitters: PubMed 11328943; PubMed 16473856.

NM_000213.5(ITGB4):c.1641del (p.Phe549fs)

Gene: ITGB4 (integrin subunit beta 4; plus strand). Cytogenetic location: 17q25.1.
Variant type: Deletion.
Coding change: c.1641del on transcript NM_000213.5 (MANE Select); coding-DNA position 1641, one base deleted (C; older notation c.1641delC).
Protein change: p.Phe549fs; shifts the reading frame from phenylalanine 549.
Molecular consequence: frameshift variant.
Genome position (GRCh38, 1-based): chr17:75,733,676, C deleted; the last of 2 consecutive C bases (chr17:75,733,675-75,733,676); deleting either gives the same sequence. VCF-style (leftmost placement, unchanged base first): chr17-75733674-TC-T. GRCh37 (hg19) VCF-style: chr17-73729755-TC-T.
Other names: c.1641delC, p.Phe549Serfs (NM_001005619.2); c.1641del, p.Phe549fs (NM_001005731.3, NM_001321123.2); short protein forms F549fs.
Identifiers: ClinVar variation 2709560 (VCV002709560.3), dbSNP rs2545755925, ClinGen allele CA2639875660.